The following is an entry in ClinVar:

NM_001283009.2(RTEL1):c.2534C>T (p.Ala845Val)

Genes: RTEL1 (regulator of telomere elongation helicase 1; plus strand), RTEL1-TNFRSF6B (RTEL1-TNFRSF6B readthrough (NMD candidate); plus strand). Cytogenetic location: 20q13.33.
Variant type: single nucleotide variant.
Coding change: c.2534C>T on transcript NM_001283009.2 (MANE Select); coding-DNA position 2534, C replaced by T.
Protein change: p.Ala845Val; replaces alanine 845 with valine.
Molecular consequence: missense variant. On other transcripts: non-coding transcript variant (1).
Genome position (GRCh38, 1-based): chr20:63,690,925, C>T. VCF-style: chr20-63690925-C-T. GRCh37 (hg19) VCF-style: chr20-62322278-C-T.
Other names: c.1865C>T, p.Ala622Val (NM_001283010.1); c.2534C>T, p.Ala845Val (NM_016434.4); c.2606C>T, p.Ala869Val (NM_032957.5); short protein forms A622V, A845V, A869V.
Identifiers: ClinVar variation 1303452 (VCV001303452.8), dbSNP rs371852881, ClinGen allele CA9965385.

ClinVar aggregate classification (germline): Conflicting classifications of pathogenicity. Review status: criteria provided, conflicting classifications (1 of 4 stars). 4 submissions from 4 submitters: Uncertain significance (3); Likely benign (1). Last evaluated 2026-01-07.

Conditions:
Pulmonary fibrosis and/or bone marrow failure, Telomere-related, 3. Also called: PULMONARY FIBROSIS AND/OR BONE MARROW FAILURE SYNDROME, TELOMERE-RELATED, 3. Identifiers: Orphanet 2032, MedGen C4225346, MONDO:0014613, OMIM 616373.
Dyskeratosis congenita, autosomal recessive 5 (DKCB5). Identifiers: MedGen C3554656, MONDO:0014076, OMIM 615190.

Allele frequency attached by ClinVar (database versions not stated): TOPMed 0.00003; ESP Exome Variant Server 0.00008; ExAC 0.00012; gnomAD 0.00013; gnomAD exomes 0.00014 and 0.00019; 1000 Genomes Project 30x 0.00016; 1000 Genomes Project 0.00020.
gnomAD v4.1: 218 of 1,556,056 alleles (0.014%); highest among the groups gnomAD compares: Middle Eastern, 0.021%; no homozygotes.

Submissions (4):

Labcorp Genetics (formerly Invitae), Labcorp
Classification: Uncertain significance for Dyskeratosis congenita, autosomal recessive 5; Pulmonary fibrosis and/or bone marrow failure, Telomere-related, 3. Last evaluated: 2026-01-07. Review status: criteria provided, single submitter. Criteria: Invitae Variant Classification Sherloc (09022015). Collection method: clinical testing. Allele origin: germline.
Comment: This sequence change replaces alanine, which is neutral and non-polar, with valine, which is neutral and non-polar, at codon 845 of the RTEL1 protein (p.Ala845Val). This variant is present in population databases (rs371852881, gnomAD 0.1%). This variant has not been reported in the literature in individuals affected with RTEL1-related conditions. ClinVar contains an entry for this variant (Variation ID: 1303452). An algorithm developed to predict the effect of missense changes on protein structure and function (PolyPhen-2) suggests that this variant is likely to be tolerated. In summary, the available evidence is currently insufficient to determine the role of this variant in disease. Therefore, it has been classified as a Variant of Uncertain Significance.

Blueprint Genetics
Classification: Likely benign. Last evaluated: 2024-10-29. Review status: criteria provided, single submitter. Criteria: ACMG Guidelines, 2015. Collection method: clinical testing. Allele origin: germline.

GeneDx
Classification: Uncertain significance. Last evaluated: 2024-06-10. Review status: criteria provided, single submitter. Criteria: GeneDx Variant Classification Process June 2021. Collection method: clinical testing. Allele origin: germline. Affected: yes.
Comment: In silico analysis indicates that this missense variant does not alter protein structure/function; Has not been previously published as pathogenic or benign to our knowledge

Fulgent Genetics
Classification: Uncertain significance for Dyskeratosis congenita, autosomal recessive 5; Pulmonary fibrosis and/or bone marrow failure, Telomere-related, 3. Last evaluated: 2024-01-25. Review status: criteria provided, single submitter. Criteria: ACMG Guidelines, 2015. Collection method: clinical testing. Allele origin: germline.